The following is an entry in ClinVar:

NM_024753.5(TTC21B):c.3281A>G (p.Gln1094Arg)

Gene: TTC21B (tetratricopeptide repeat domain 21B; minus strand). Cytogenetic location: 2q24.3.
Variant type: single nucleotide variant.
Coding change: c.3281A>G on transcript NM_024753.5 (MANE Select); coding-DNA position 3281, A replaced by G.
Protein change: p.Gln1094Arg; replaces glutamine 1094 with arginine.
Molecular consequence: missense variant.
Genome position (GRCh38, 1-based): chr2:165,888,457, T>C on the plus strand (A>G on the coding strand, the complement: TTC21B is on the minus strand). VCF-style: chr2-165888457-T-C. GRCh37 (hg19) VCF-style: chr2-166744967-T-C.
Other names: p.Gln1094Arg; short protein forms Q1094R.
Identifiers: ClinVar variation 3380846 (VCV003380846.1).
Genomic context (GRCh38, chr2:165,888,457, plus strand): 5'-TGAGGTTTTAGTTCCTTAAGAAGTTTTTCTGCTGTTCTTACTGCCAGTTGCACAGATTCT[T>C]GCTTCTCAGTTGAATTACTGTATATAATTAAAAATAAATCACTTCTGTCTCTTACTCATG-3'
Protein context (NP_079029.3, residues 1084-1104): DGDLGNSTEK[Gln1094Arg]ESVQLAVRTA

ClinVar aggregate classification (germline): Uncertain significance (1 of 4 stars; one submission).

gnomAD v4.1: 4 of 1,613,344 alleles (0.00025%); highest among the groups gnomAD compares: Non-Finnish European, 0.00034%; no homozygotes.

Submission:

Mayo Clinic Laboratories, Mayo Clinic
Classification: Uncertain significance. Last evaluated: 2023-10-25. Review status: criteria provided, single submitter. Criteria: ACMG Guidelines, 2015. Collection method: clinical testing. Allele origin: germline. Observed: 1 variant allele.
Comment: PM2